The following is an entry in ClinVar:

ClinVar aggregate classification (germline): Uncertain significance (1 of 4 stars; one submission).

Conditions:
Bardet-Biedl syndrome (BBS). Identifiers: Orphanet 110, MedGen C0752166, MONDO:0015229.

Allele frequency attached by ClinVar (database versions not stated): ExAC 0.00002.
gnomAD v4.1: 6 of 1,612,446 alleles (0.00037%); highest among the groups gnomAD compares: South Asian, 0.0011%; no homozygotes.

Submission:

Labcorp Genetics (formerly Invitae), Labcorp
Classification: Uncertain significance for Bardet-Biedl syndrome. Last evaluated: 2022-01-21. Review status: criteria provided, single submitter. Criteria: Invitae Variant Classification Sherloc (09022015). Collection method: clinical testing. Allele origin: germline.
Comment: This sequence change replaces proline, which is neutral and non-polar, with leucine, which is neutral and non-polar, at codon 881 of the BBS9 protein (p.Pro881Leu). This variant is present in population databases (rs756620095, gnomAD 0.004%). This variant has not been reported in the literature in individuals affected with BBS9-related conditions. Algorithms developed to predict the effect of missense changes on protein structure and function are either unavailable or do not agree on the potential impact of this missense change (SIFT: "Deleterious"; PolyPhen-2: "Benign"; Align-GVGD: "Class C0"). In summary, the available evidence is currently insufficient to determine the role of this variant in disease. Therefore, it has been classified as a Variant of Uncertain Significance.

NM_198428.3(BBS9):c.2642C>T (p.Pro881Leu)

Gene: BBS9 (Bardet-Biedl syndrome 9; plus strand). Cytogenetic location: 7p14.3.
Variant type: single nucleotide variant.
Coding change: c.2642C>T on transcript NM_198428.3 (MANE Select); coding-DNA position 2642, C replaced by T.
Protein change: p.Pro881Leu; replaces proline 881 with leucine.
Molecular consequence: missense variant. On other transcripts: non-coding transcript variant (3), intron variant (2).
Genome position (GRCh38, 1-based): chr7:33,605,204, C>T. VCF-style: chr7-33605204-C-T. GRCh37 (hg19) VCF-style: chr7-33644816-C-T.
Other names: c.2537C>T, p.Pro846Leu (NM_001033604.2); c.2627C>T, p.Pro876Leu (NM_001033605.2); c.2642C>T, p.Pro881Leu (NM_001348036.1); c.2093C>T, p.Pro698Leu (NM_001348037.3); c.2369C>T, p.Pro790Leu (NM_001348038.3); c.2264C>T, p.Pro755Leu (NM_001348039.3); c.2519C>T, p.Pro840Leu (NM_001348040.3); c.2507C>T, p.Pro836Leu (NM_001348042.3); and 6 more; short protein forms P759L, P790L, P836L, P846L, P724L, P755L, P876L, P698L.
Identifiers: ClinVar variation 2165946 (VCV002165946.1), dbSNP rs756620095, ClinGen allele CA4214775.